The following is an entry in ClinVar:

NM_006859.4(LIAS):c.64dup (p.Cys22fs)

Gene: LIAS (lipoic acid synthetase; plus strand). Cytogenetic location: 4p14.
Variant type: Duplication.
Coding change: c.64dup on transcript NM_006859.4 (MANE Select); coding-DNA position 64, one base duplicated (T; older notation c.64dupT).
Protein change: p.Cys22fs; shifts the reading frame from cysteine 22.
Molecular consequence: frameshift variant.
Genome position (GRCh38, 1-based): chr4:39,460,808, T duplicated; the last of 5 consecutive T bases (chr4:39,460,804-39,460,808); duplicating any one gives the same sequence. VCF-style (leftmost placement, unchanged base first): chr4-39460803-A-AT. GRCh37 (hg19) VCF-style: chr4-39462423-A-AT.
Other names: c.64dupT (NM_006859.3); c.64dup, p.Cys22fs (NM_001278590.2, NM_001278591.2, NM_001278592.2 and 2 more transcripts); short protein forms C22fs.
Identifiers: ClinVar variation 540088 (VCV000540088.6), dbSNP rs960319940, ClinGen allele CA658796424.
Genomic context (GRCh38, chr4:39,460,803, plus strand): 5'-TATTACGGACTCCACTAAATAAACGTCATAATTAACTCTTTCTTTAGGTATTTGGGAGAT[A>AT]TTTTTGCAGCCCAGTCAGACCGTTAAGCTCCTTGCCAGATAAAAAAAAGGAACTCCTACA-3'

ClinVar aggregate classification (germline): Pathogenic (1 of 4 stars; one submission).

Conditions:
Lipoic acid synthetase deficiency. Also called: HYPERGLYCINEMIA, LACTIC ACIDOSIS, AND SEIZURES. Identifiers: Orphanet 401859, MedGen C3280887, MONDO:0013762, OMIM 614462.

Submission:

Labcorp Genetics (formerly Invitae), Labcorp
Classification: Pathogenic for Lipoic acid synthetase deficiency. Last evaluated: 2017-08-03. Review status: criteria provided, single submitter. Criteria: Invitae Variant Classification Sherloc (09022015). Collection method: clinical testing. Allele origin: germline.
Comment: For these reasons, this variant has been classified as Pathogenic. Loss-of-function variants in LIAS are known to be pathogenic (PMID: 26108146). This variant has not been reported in the literature in individuals with LIAS-related disease. This variant is not present in population databases (ExAC no frequency). This sequence change creates a premature translational stop signal (p.Cys22Leufs*13) in the LIAS gene. It is expected to result in an absent or disrupted protein product.

Literature cited by the submitters: PubMed 26108146.